The following is an entry in ClinVar:

NM_001329943.3(KIAA0586):c.1804C>T (p.Gln602Ter)

Gene: KIAA0586 (KIAA0586; plus strand). Cytogenetic location: 14q23.1.
Variant type: single nucleotide variant.
Coding change: c.1804C>T on transcript NM_001329943.3 (MANE Select); coding-DNA position 1804, C replaced by T.
Protein change: p.Gln602Ter; replaces glutamine 602 with a stop codon.
Molecular consequence: nonsense. On other transcripts: intron variant (1).
Genome position (GRCh38, 1-based): chr14:58,459,990, C>T. VCF-style: chr14-58459990-C-T. GRCh37 (hg19) VCF-style: chr14-58926708-C-T.
Other names: c.1963C>T, p.Gln655Ter (NM_001244189.2); c.1759C>T, p.Gln587Ter (NM_001244190.2); c.1549C>T, p.Gln517Ter (NM_001244191.2, NM_001329945.2, NM_001364700.1 and 1 more transcripts); c.1672C>T, p.Gln558Ter (NM_001244192.2); c.1384C>T, p.Gln462Ter (NM_001244193.2); c.1804C>T, p.Gln602Ter (NM_001329944.2, NM_001329946.2, NM_001329947.2); c.1657-996C>T (NM_014749.5); short protein forms Q655*, Q517*, Q558*, Q587*, Q462*, Q602*.
Identifiers: ClinVar variation 565469 (VCV000565469.8), dbSNP rs1566827747, ClinGen allele CA389871277.

ClinVar aggregate classification (germline): Pathogenic (1 of 4 stars; one submission).

Conditions:
Short-rib thoracic dysplasia 14 with polydactyly (SRTD14). Identifiers: Orphanet 397715, MedGen C4225286, MONDO:0014688, OMIM 616546.
Joubert syndrome 23 (JBTS23). Identifiers: Orphanet 475, MedGen C4084822, MONDO:0014664, OMIM 616490.

Submission:

Labcorp Genetics (formerly Invitae), Labcorp
Classification: Pathogenic for Joubert syndrome 23; Short-rib thoracic dysplasia 14 with polydactyly. Last evaluated: 2018-04-27. Review status: criteria provided, single submitter. Criteria: Invitae Variant Classification Sherloc (09022015). Collection method: clinical testing. Allele origin: germline.
Comment: For these reasons, this variant has been classified as Pathogenic. Loss-of-function variants in KIAA0586 are known to be pathogenic (PMID: 26096313, 26166481). While this variant is not present in population databases, the frequency information is unreliable, as metrics indicate poor data quality at this position in the ExAC database. This sequence change creates a premature translational stop signal (p.Gln655*) in the KIAA0586 gene. It is expected to result in an absent or disrupted protein product.

Literature cited by the submitters: PubMed 26096313; PubMed 26166481.